The following is an entry in ClinVar:

NM_001165963.4(SCN1A):c.2608G>C (p.Ala870Pro)

Gene: SCN1A (sodium voltage-gated channel alpha subunit 1; minus strand). Cytogenetic location: 2q24.3.
Variant type: single nucleotide variant.
Coding change: c.2608G>C on transcript NM_001165963.4 (MANE Select); coding-DNA position 2608, G replaced by C.
Protein change: p.Ala870Pro; replaces alanine 870 with proline.
Molecular consequence: missense variant. On other transcripts: non-coding transcript variant (1).
Genome position (GRCh38, 1-based): chr2:166,038,114, C>G on the plus strand (G>C on the coding strand, the complement: SCN1A is on the minus strand). VCF-style: chr2-166038114-C-G. GRCh37 (hg19) VCF-style: chr2-166894624-C-G.
Other names: c.2524G>C, p.Ala842Pro (NM_001165964.3, NM_001353957.2, NM_001353958.2); c.2608G>C, p.Ala870Pro (NM_001202435.3, NM_001353948.2); c.2575G>C, p.Ala859Pro (NM_001353949.2, NM_001353950.2, NM_001353951.2 and 2 more transcripts); c.2572G>C, p.Ala858Pro (NM_001353954.2, NM_001353955.2); c.2521G>C, p.Ala841Pro (NM_001353960.2); c.166G>C, p.Ala56Pro (NM_001353961.2); short protein forms A56P, A842P, A858P, A841P, A859P, A870P.
Identifiers: ClinVar variation 3634043 (VCV003634043.2).

ClinVar aggregate classification (germline): Uncertain significance (1 of 4 stars; one submission).

Conditions:
Early-infantile DEE. Also called: Early infantile epileptic encephalopathy; Ohtahara syndrome; Early infantile epileptic encephalopathy with suppression bursts. Identifiers: Orphanet 1934, MedGen C0393706, MONDO:0800491.

Submission:

Labcorp Genetics (formerly Invitae), Labcorp
Classification: Uncertain significance for Early-infantile DEE. Last evaluated: 2024-12-15. Review status: criteria provided, single submitter. Criteria: Invitae Variant Classification Sherloc (09022015). Collection method: clinical testing. Allele origin: germline.
Comment: This sequence change replaces alanine, which is neutral and non-polar, with proline, which is neutral and non-polar, at codon 870 of the SCN1A protein (p.Ala870Pro). This variant is not present in population databases (gnomAD no frequency). This variant has not been reported in the literature in individuals affected with SCN1A-related conditions. Invitae Evidence Modeling of protein sequence and biophysical properties (such as structural, functional, and spatial information, amino acid conservation, physicochemical variation, residue mobility, and thermodynamic stability) indicates that this missense variant is expected to disrupt SCN1A protein function with a positive predictive value of 95%. In summary, the available evidence is currently insufficient to determine the role of this variant in disease. Therefore, it has been classified as a Variant of Uncertain Significance.